The following is an entry in ClinVar:

NM_019888.3(MC3R):c.668C>T (p.Ala223Val)

Gene: MC3R (melanocortin 3 receptor; plus strand). Cytogenetic location: 20q13.2.
Variant type: single nucleotide variant.
Coding change: c.668C>T on transcript NM_019888.3 (MANE Select); coding-DNA position 668, C replaced by T.
Protein change: p.Ala223Val; replaces alanine 223 with valine.
Molecular consequence: missense variant.
Genome position (GRCh38, 1-based): chr20:56,249,511, C>T. VCF-style: chr20-56249511-C-T. GRCh37 (hg19) VCF-style: chr20-54824567-C-T.
Other names: short protein forms A223V.
Identifiers: ClinVar variation 2629698 (VCV002629698.3), dbSNP rs1184694999, ClinGen allele CA409695483.

ClinVar aggregate classification (germline): Uncertain significance (1 of 4 stars; one submission).

Conditions:
MC3R-related disorder. Also called: MC3R-related condition.

Allele frequency attached by ClinVar (database versions not stated): gnomAD 0.00001; gnomAD exomes 0.00001; TOPMed 0.00002.

Submission:

PreventionGenetics, part of Exact Sciences
Classification: Uncertain significance for MC3R-related condition. Last evaluated: 2025-12-09. Review status: criteria provided, single submitter. Criteria: ACMG Guidelines, 2015. Collection method: clinical testing. Allele origin: germline.
Comment: The MC3R c.668C>T variant is predicted to result in the amino acid substitution p.Ala223Val. To our knowledge, this variant has not been reported in individuals affected with MC3R-related disease. This variant is reported in 0.014% of alleles in individuals of Latino descent in gnomAD. Functional studies of this missense variant (referred to as A260V) has been reported to show decreased cell surface expression (Yang et al. 2012. PubMed ID: 22884546). At this time, the clinical significance of this variant is uncertain due to the absence of conclusive functional and genetic evidence.